The following is an entry in ClinVar:

NM_018906.3(PCDHA3):c.312C>T (p.Ile104=)

Genes: PCDHA1 (protocadherin alpha 1; plus strand), PCDHA2 (protocadherin alpha 2; plus strand), PCDHA3 (protocadherin alpha 3; plus strand), PCDHA@ (protocadherin alpha cluster, complex locus; plus strand). Cytogenetic location: 5q31.3.
Variant type: single nucleotide variant.
Coding change: c.312C>T on transcript NM_018906.3 (MANE Select); coding-DNA position 312, C replaced by T.
Protein change: p.Ile104=; no amino-acid change (isoleucine 104 retained).
Molecular consequence: synonymous variant. On other transcripts: intron variant (4).
Genome position (GRCh38, 1-based): chr5:140,801,509, C>T. VCF-style: chr5-140801509-C-T. GRCh37 (hg19) VCF-style: chr5-140181094-C-T.
Other names: c.312C>T, p.Ile104= (NM_031497.2); c.2394+12825C>T (NM_018900.4); c.1602+13617C>T (NM_031411.3); c.2388+4157C>T (NM_018905.3); c.2389-3551C>T (NM_031496.2).
Identifiers: ClinVar variation 3037513 (VCV003037513.2), dbSNP rs251382, ClinGen allele CA3446241.

ClinVar aggregate classification (germline): Benign (0 of 4 stars; one submission).

Conditions:
PCDHA3-related disorder. Also called: PCDHA3-related condition.

Allele frequency attached by ClinVar (database versions not stated): TOPMed 0.01486; 1000 Genomes Project 30x 0.00781; ESP Exome Variant Server 0.01877; ExAC 0.02012; gnomAD exomes 0.02312; 1000 Genomes Project 0.00699; gnomAD 0.01921.
gnomAD v4.1: 36,339 of 1,614,194 alleles (2.3%); highest among the groups gnomAD compares: Non-Finnish European, 2.6%; 542 homozygotes.

Submission:

PreventionGenetics, part of Exact Sciences
Classification: Benign for PCDHA3-related condition. Last evaluated: 2019-07-23. Review status: no assertion criteria provided. Collection method: clinical testing. Allele origin: germline.
Comment: This variant is classified as benign based on ACMG/AMP sequence variant interpretation guidelines (Richards et al. 2015 PMID: 25741868, with internal and published modifications).